The following is an entry in ClinVar:

ClinVar aggregate classification (germline): Uncertain significance. Review status: criteria provided, multiple submitters, no conflicts (2 of 4 stars). 2 submissions from 2 submitters: Uncertain significance (2). Last evaluated 2025-09-25.

Conditions:
Inborn genetic diseases. Identifiers: MedGen C0950123, MeSH D030342.

gnomAD v4.1: 5 of 1,614,158 alleles (0.00031%); highest among the groups gnomAD compares: South Asian, 0.0055%; no homozygotes.

Submissions (2):

Ambry Genetics
Classification: Uncertain significance for Inborn genetic diseases. Last evaluated: 2025-09-25. Review status: criteria provided, single submitter. Criteria: Ambry Variant Classification Scheme 2023. Collection method: clinical testing. Allele origin: germline.

Labcorp Genetics (formerly Invitae), Labcorp
Classification: Uncertain significance. Last evaluated: 2024-04-01. Review status: criteria provided, single submitter. Criteria: Invitae Variant Classification Sherloc (09022015). Collection method: clinical testing. Allele origin: germline.
Comment: This sequence change replaces aspartic acid, which is acidic and polar, with glycine, which is neutral and non-polar, at codon 1180 of the MYO6 protein (p.Asp1180Gly). This variant is not present in population databases (gnomAD no frequency). This variant has not been reported in the literature in individuals affected with MYO6-related conditions. Advanced modeling of protein sequence and biophysical properties (such as structural, functional, and spatial information, amino acid conservation, physicochemical variation, residue mobility, and thermodynamic stability) performed at Invitae indicates that this missense variant is not expected to disrupt MYO6 protein function with a negative predictive value of 80%. In summary, the available evidence is currently insufficient to determine the role of this variant in disease. Therefore, it has been classified as a Variant of Uncertain Significance.

NM_004999.4(MYO6):c.3539A>G (p.Asp1180Gly)

Gene: MYO6 (myosin VI; plus strand). Cytogenetic location: 6q14.1.
Variant type: single nucleotide variant.
Coding change: c.3539A>G on transcript NM_004999.4 (MANE Select); coding-DNA position 3539, A replaced by G.
Protein change: p.Asp1180Gly; replaces aspartic acid 1180 with glycine.
Molecular consequence: missense variant. On other transcripts: non-coding transcript variant (1).
Genome position (GRCh38, 1-based): chr6:75,914,162, A>G. VCF-style: chr6-75914162-A-G. GRCh37 (hg19) VCF-style: chr6-76623879-A-G.
Other names: c.3539A>G (NM_004999.3); c.3470A>G, p.Asp1157Gly (NM_001300899.2); c.3443A>G, p.Asp1148Gly (NM_001368136.1); c.3500A>G, p.Asp1167Gly (NM_001368137.1); c.3455A>G, p.Asp1152Gly (NM_001368138.1); c.3566A>G, p.Asp1189Gly (NM_001368865.1); c.3539A>G, p.Asp1180Gly (NM_001368866.1); short protein forms D1148G, D1152G, D1157G, D1167G, D1180G, D1189G.
Identifiers: ClinVar variation 3603852 (VCV003603852.3).